The following is an entry in ClinVar:

ClinVar aggregate classification (germline): Uncertain significance. Review status: criteria provided, multiple submitters, no conflicts (2 of 4 stars). 2 submissions from 2 submitters: Uncertain significance (2). Last evaluated 2024-03-20.

Conditions:
Orofaciodigital syndrome type 6 (OFD6). Also called: Oral-facial-digital syndrome type 6; Central polydactyly cleft lip/palate or lingual lump and psychomotor retardation; Y-shaped central metacarpal and cerebellar defect; Joubert syndrome with orofacialdigital anomalies; VARADI SYNDROME; VARADI-PAPP SYNDROME. Identifiers: Orphanet 2754, MedGen C2745997, MONDO:0010176, OMIM 277170.
Joubert syndrome 17 (JBTS17). Identifiers: Orphanet 475, MedGen C3553264, MONDO:0013824, OMIM 614615.

Allele frequency attached by ClinVar (database versions not stated): gnomAD exomes 0.00001; TOPMed 0.00001; gnomAD 0.00003.
gnomAD v4.1: 41 of 1,606,378 alleles (0.0026%); highest among the groups gnomAD compares: Non-Finnish European, 0.0033%; no homozygotes.

Submissions (2):

Fulgent Genetics
Classification: Uncertain significance for Orofaciodigital syndrome type 6; Joubert syndrome 17. Last evaluated: 2024-03-20. Review status: criteria provided, single submitter. Criteria: ACMG Guidelines, 2015. Collection method: clinical testing. Allele origin: germline.

Labcorp Genetics (formerly Invitae), Labcorp
Classification: Uncertain significance. Last evaluated: 2022-08-16. Review status: criteria provided, single submitter. Criteria: Invitae Variant Classification Sherloc (09022015). Collection method: clinical testing. Allele origin: germline.
Comment: This sequence change replaces valine, which is neutral and non-polar, with methionine, which is neutral and non-polar, at codon 1375 of the CPLANE1 protein (p.Val1375Met). This variant is present in population databases (rs546036802, gnomAD 0.003%). This variant has not been reported in the literature in individuals affected with CPLANE1-related conditions. ClinVar contains an entry for this variant (Variation ID: 1418940). Advanced modeling of protein sequence and biophysical properties (such as structural, functional, and spatial information, amino acid conservation, physicochemical variation, residue mobility, and thermodynamic stability) performed at Invitae indicates that this missense variant is not expected to disrupt CPLANE1 protein function. In summary, the available evidence is currently insufficient to determine the role of this variant in disease. Therefore, it has been classified as a Variant of Uncertain Significance.

NM_001384732.1(CPLANE1):c.4123G>A (p.Val1375Met)

Gene: CPLANE1 (ciliogenesis and planar polarity effector complex subunit 1; minus strand). Cytogenetic location: 5p13.2.
Variant type: single nucleotide variant.
Coding change: c.4123G>A on transcript NM_001384732.1 (MANE Select); coding-DNA position 4123, G replaced by A.
Protein change: p.Val1375Met; replaces valine 1375 with methionine.
Molecular consequence: missense variant.
Genome position (GRCh38, 1-based): chr5:37,186,352, C>T on the plus strand (G>A on the coding strand, the complement: CPLANE1 is on the minus strand). VCF-style: chr5-37186352-C-T. GRCh37 (hg19) VCF-style: chr5-37186454-C-T.
Other names: c.4123G>A, p.Val1375Met (NM_023073.4); c.4123G>A (NM_023073.3); short protein forms V1375M.
Identifiers: ClinVar variation 1418940 (VCV001418940.4), dbSNP rs546036802, ClinGen allele CA117070571.
Genomic context (GRCh38, chr5:37,186,352, plus strand): 5'-CAACACAGTGTCTGAGTCTCTGGTGAAGAGAGTGATATTTGTCTCTTAAAGGAACCCTCA[C>T]GTCCTCAGGATAGGGAAATGCTTTCACGAAAATTTCTGCTACCTTCAGAAAAAAAATTGT-3'
Protein context (NP_001371661.1, residues 1365-1385): FVKAFPYPED[Val1375Met]RVPLRDKYHS